The following is an entry in ClinVar:

ClinVar aggregate classification (germline): Uncertain significance. Review status: criteria provided, multiple submitters, no conflicts (2 of 4 stars). 2 submissions from 2 submitters: Uncertain significance (2). Last evaluated 2024-01-10.

Conditions:
Familial adenomatous polyposis 1 (FAP1). Also called: FAMILIAL ADENOMATOUS POLYPOSIS 1, ATTENUATED; POLYPOSIS, ADENOMATOUS INTESTINAL. Identifiers: MedGen C2713442, MONDO:0021056, OMIM 175100. Disease mechanism: loss of function.

Submissions (2):

Labcorp Genetics (formerly Invitae), Labcorp
Classification: Uncertain significance for Familial adenomatous polyposis 1. Last evaluated: 2024-01-10. Review status: criteria provided, single submitter. Criteria: Invitae Variant Classification Sherloc (09022015). Collection method: clinical testing. Allele origin: germline.
Comment: This sequence change replaces aspartic acid, which is acidic and polar, with glutamic acid, which is acidic and polar, at codon 78 of the APC protein (p.Asp78Glu). This variant is not present in population databases (gnomAD no frequency). This variant has not been reported in the literature in individuals affected with APC-related conditions. ClinVar contains an entry for this variant (Variation ID: 495356). Advanced modeling of protein sequence and biophysical properties (such as structural, functional, and spatial information, amino acid conservation, physicochemical variation, residue mobility, and thermodynamic stability) performed at Invitae indicates that this missense variant is not expected to disrupt APC protein function with a negative predictive value of 95%. In summary, the available evidence is currently insufficient to determine the role of this variant in disease. Therefore, it has been classified as a Variant of Uncertain Significance.

Women's Health and Genetics/Laboratory Corporation of America, LabCorp
Classification: Uncertain significance. Last evaluated: 2017-04-20. Review status: criteria provided, single submitter. Criteria: LabCorp Variant Classification Summary - May 2015. Collection method: clinical testing. Allele origin: germline.
Comment: Variant summary: The APC c.234T>G (p.Asp78Glu) variant involves the alteration of a non-conserved nucleotide and 3/3 in silico tools (SNPs&Go and Mutation Taster not captured here due to low reliability index and p-value, respectively) predict a benign outcome, although these predictions have yet to be functionally assessed. The variant of interest was not observed in the large, broad control population, ExAC, 0/120598 control chromosomes. The variant of interest has not, to our knowledge, been reported in affected individuals via publications and/or reputable databases/clinical diagnostic laboratories; nor evaluated for functional impact by in vivo/vitro studies. Because of the absence of clinical information and the lack of functional studies, the variant is classified as a "Variant of Uncertain Significance (VUS)," until additional information becomes available.

NM_000038.6(APC):c.234T>G (p.Asp78Glu)

Gene: APC (APC regulator of Wnt signaling pathway; plus strand). Cytogenetic location: 5q22.2.
Variant type: single nucleotide variant.
Coding change: c.234T>G on transcript NM_000038.6 (MANE Select); coding-DNA position 234, T replaced by G.
Protein change: p.Asp78Glu; replaces aspartic acid 78 with glutamic acid.
Molecular consequence: missense variant. On other transcripts: 5 prime UTR variant (1).
Genome position (GRCh38, 1-based): chr5:112,767,202, T>G. VCF-style: chr5-112767202-T-G. GRCh37 (hg19) VCF-style: chr5-112102899-T-G.
Other names: c.234T>G, p.Asp78Glu (NM_001127510.3, NM_001354895.2, NM_001354896.2 and 2 more transcripts); c.264T>G, p.Asp88Glu (NM_001127511.3, NM_001354897.2, NM_001354902.2); c.159T>G, p.Asp53Glu (NM_001354898.2, NM_001354904.2); c.57T>G, p.Asp19Glu (NM_001354900.2, NM_001354901.2, NM_001354905.2); c.-802T>G (NM_001354906.2); short protein forms D78E, D88E, D19E, D53E.
Identifiers: ClinVar variation 495356 (VCV000495356.4), dbSNP rs765434321, ClinGen allele CA16021854.